The following is an entry in ClinVar:

NM_001198903.1:c.998_1293del

Gene: YY1AP1 (YY1 associated protein 1; minus strand).
Variant type: Deletion.
Other names: c.998_1293del (NM_001198903.1).
Identifiers: ClinVar variation 1172641 (VCV001172641.1).

ClinVar aggregate classification (germline): Pathogenic (1 of 4 stars; one submission).

Conditions:
Intellectual disability. Also called: Intellectual functioning disability; intellectual disabilities; Intellectual developmental disorder. Identifiers: MedGen C3714756, MeSH D008607, MONDO:0001071, HP:0001249.

Submission:

Equipe Genetique des Anomalies du Developpement, Université de Bourgogne
Classification: Pathogenic for Intellectual disability. Review status: criteria provided, single submitter. Criteria: ACMG Guidelines, 2015. Collection method: clinical testing. Allele origin: inherited. Affected: yes.